The following is an entry in ClinVar:

ClinVar aggregate classification (germline): Uncertain significance (1 of 4 stars; one submission).

Conditions:
Nemaline myopathy 10 (NEM10). Identifiers: MedGen C4015360, MONDO:0014513, OMIM 616165.

Allele frequency attached by ClinVar (database versions not stated): TOPMed 0.00001; ExAC 0.00003; gnomAD exomes 0.00003.
gnomAD v4.1: 17 of 1,572,140 alleles (0.0011%); highest among the groups gnomAD compares: East Asian, 0.039%; no homozygotes.

Submission:

Labcorp Genetics (formerly Invitae), Labcorp
Classification: Uncertain significance for Nemaline myopathy 10. Last evaluated: 2022-01-12. Review status: criteria provided, single submitter. Criteria: Invitae Variant Classification Sherloc (09022015). Collection method: clinical testing. Allele origin: germline.
Comment: This sequence change replaces glycine, which is neutral and non-polar, with serine, which is neutral and polar, at codon 136 of the LMOD3 protein (p.Gly136Ser). This variant has not been reported in the literature in individuals affected with LMOD3-related conditions. This variant is present in population databases (rs755727319, gnomAD 0.04%). Algorithms developed to predict the effect of missense changes on protein structure and function output the following: SIFT: "Deleterious"; PolyPhen-2: "Benign"; Align-GVGD: "Class C0". The serine amino acid residue is found in multiple mammalian species, which suggests that this missense change does not adversely affect protein function. In summary, the available evidence is currently insufficient to determine the role of this variant in disease. Therefore, it has been classified as a Variant of Uncertain Significance.

NM_198271.5(LMOD3):c.406G>A (p.Gly136Ser)

Gene: LMOD3 (leiomodin 3; minus strand). Cytogenetic location: 3p14.1.
Variant type: single nucleotide variant.
Coding change: c.406G>A on transcript NM_198271.5 (MANE Select); coding-DNA position 406, G replaced by A.
Protein change: p.Gly136Ser; replaces glycine 136 with serine.
Molecular consequence: missense variant.
Genome position (GRCh38, 1-based): chr3:69,119,949, C>T on the plus strand (G>A on the coding strand, the complement: LMOD3 is on the minus strand). VCF-style: chr3-69119949-C-T. GRCh37 (hg19) VCF-style: chr3-69169100-C-T.
Other names: c.406G>A, p.Gly136Ser (NM_001304418.3); short protein forms G136S.
Identifiers: ClinVar variation 1366246 (VCV001366246.8), dbSNP rs755727319, ClinGen allele CA2488992.